The following is an entry in ClinVar:

NM_003072.5(SMARCA4):c.1243C>T (p.Gln415Ter)

Gene: SMARCA4 (SWI/SNF related BAF chromatin remodeling complex subunit ATPase 4; plus strand). Cytogenetic location: 19p13.2.
Variant type: single nucleotide variant.
Coding change: c.1243C>T on transcript NM_003072.5 (MANE Select); coding-DNA position 1243, C replaced by T.
Protein change: p.Gln415Ter; replaces glutamine 415 with a stop codon.
Molecular consequence: nonsense. On other transcripts: non-coding transcript variant (1).
Genome position (GRCh38, 1-based): chr19:10,989,441, C>T. VCF-style: chr19-10989441-C-T. GRCh37 (hg19) VCF-style: chr19-11100117-C-T.
Other names: c.1243C>T, p.Gln415Ter (NM_001128844.3, NM_001128845.2, NM_001128846.2 and 4 more transcripts); short protein forms Q415*.
Identifiers: ClinVar variation 835142 (VCV000835142.8), dbSNP rs2086356894, ClinGen allele CA404059825.

ClinVar aggregate classification (germline): Pathogenic (1 of 4 stars; one submission).

Conditions:
Rhabdoid tumor predisposition syndrome 2 (RTPS2). Identifiers: Orphanet 231108, Orphanet 69077, MedGen C2750074, MONDO:0013224, OMIM 613325.

Submission:

Labcorp Genetics (formerly Invitae), Labcorp
Classification: Pathogenic for Rhabdoid tumor predisposition syndrome 2. Last evaluated: 2020-02-02. Review status: criteria provided, single submitter. Criteria: Invitae Variant Classification Sherloc (09022015). Collection method: clinical testing. Allele origin: germline.
Comment: Algorithms developed to predict the effect of sequence changes on RNA splicing suggest that this variant may create or strengthen a splice site, but this prediction has not been confirmed by published transcriptional studies. This sequence change creates a premature translational stop signal (p.Gln415*) in the SMARCA4 gene. It is expected to result in an absent or disrupted protein product. This variant is not present in population databases (ExAC no frequency). This variant has not been reported in the literature in individuals with SMARCA4-related conditions. Loss-of-function variants in SMARCA4 are known to be pathogenic (PMID: 24658001, 24658002). For these reasons, this variant has been classified as Pathogenic.

Literature cited by the submitters: PubMed 24658001; PubMed 24658002.